The following is an entry in ClinVar:

NM_001387844.1(PRRC2C):c.2117C>A (p.Pro706Gln)

Gene: PRRC2C (proline rich coiled-coil 2C; plus strand). Cytogenetic location: 1q24.3.
Variant type: single nucleotide variant.
Coding change: c.2117C>A on transcript NM_001387844.1 (MANE Select); coding-DNA position 2117, C replaced by A.
Protein change: p.Pro706Gln; replaces proline 706 with glutamine.
Molecular consequence: missense variant.
Genome position (GRCh38, 1-based): chr1:171,536,102, C>A. VCF-style: chr1-171536102-C-A. GRCh37 (hg19) VCF-style: chr1-171505241-C-A.
Other names: NC_000001.10:g.171505241C>A; c.2111C>A, p.Pro704Gln (NM_015172.4); short protein forms P704Q, P706Q.
Identifiers: ClinVar variation 2639553 (VCV002639553.25), dbSNP rs138658625, ClinGen allele CA1242787.
Genomic context (GRCh38, chr1:171,536,102, plus strand): 5'-AGCAGCAGTGGCAGCAGCAGCAACAGCAAGGTGTACTTCCACAGACTGTTCCTTCACAAC[C>A]GTCCAGTAGTACTGTCCCTCCTCCACCACACAGACCTCTTTATCAGCCTATGCAGCCTCA-3'
Protein context (NP_001374773.1, residues 696-716): GVLPQTVPSQ[Pro706Gln]SSSTVPPPPH

ClinVar aggregate classification (germline): Likely benign (1 of 4 stars; one submission).

Allele frequency attached by ClinVar (database versions not stated): 1000 Genomes Project 0.00020; 1000 Genomes Project 30x 0.00031; gnomAD 0.00287; ExAC 0.00383; ESP Exome Variant Server 0.00416.
gnomAD v4.1: 6,890 of 1,561,840 alleles (0.44%); highest among the groups gnomAD compares: Non-Finnish European, 0.55%; 25 homozygotes.

Submissions (8):

CeGaT Center for Human Genetics Tuebingen
Classification: Likely benign. Last evaluated: 2022-08-01. Review status: criteria provided, single submitter. Criteria: CeGaT Center For Human Genetics Tuebingen Variant Classification Criteria Version 2. Collection method: clinical testing. Allele origin: germline. Affected: yes. Observed: 1 variant allele.
Comment: PRRC2C: BP4

Dr. Peter K. Rogan Lab, Western University
No classification provided (evidence only). Condition: Acute myeloid leukemia. Review status: no classification provided. Collection method: in vitro. Allele origin: not applicable. Functional consequence: skipped exon. Not counted in ClinVar's aggregate classification.

Dr. Peter K. Rogan Lab, Western University
No classification provided (evidence only). Condition: Colorectal cancer. Review status: no classification provided. Collection method: in vitro. Allele origin: not applicable. Functional consequence: retained intron. Not counted in ClinVar's aggregate classification.

Dr. Peter K. Rogan Lab, Western University
No classification provided (evidence only). Condition: Sarcoma. Review status: no classification provided. Collection method: in vitro. Allele origin: not applicable. Functional consequence: retained intron. Not counted in ClinVar's aggregate classification.

Dr. Peter K. Rogan Lab, Western University
No classification provided (evidence only). Condition: Sarcoma. Review status: no classification provided. Collection method: in vitro. Allele origin: not applicable. Functional consequence: retained intron. Not counted in ClinVar's aggregate classification.

Dr. Peter K. Rogan Lab, Western University
No classification provided (evidence only). Condition: Ovarian serous cystadenocarcinoma. Review status: no classification provided. Collection method: in vitro. Allele origin: not applicable. Functional consequence: retained intron. Not counted in ClinVar's aggregate classification.

Dr. Peter K. Rogan Lab, Western University
No classification provided (evidence only). Condition: Ovarian serous cystadenocarcinoma. Review status: no classification provided. Collection method: in vitro. Allele origin: not applicable. Functional consequence: retained intron. Not counted in ClinVar's aggregate classification.

Dr. Peter K. Rogan Lab, Western University
No classification provided (evidence only). Condition: Gastric cancer. Review status: no classification provided. Collection method: in vitro. Allele origin: not applicable. Functional consequence: retained intron. Not counted in ClinVar's aggregate classification.